The following is an entry in ClinVar:

NM_000321.3(RB1):c.2429_2432dup (p.Ser811fs)

Gene: RB1 (RB transcriptional corepressor 1; plus strand). Cytogenetic location: 13q14.2.
Variant type: Microsatellite.
Coding change: c.2429_2432dup on transcript NM_000321.3 (MANE Select); coding-DNA positions 2429 to 2432, 4 bases duplicated (AGAG; older notation c.2429_2432dupAGAG).
Protein change: p.Ser811fs; shifts the reading frame from serine 811.
Molecular consequence: frameshift variant.
Genome position (GRCh38, 1-based): chr13:48,465,308-48,465,311, AGAG duplicated. VCF-style (leftmost placement, unchanged base first): chr13-48465307-A-AAGAG. GRCh37 (hg19) VCF-style: chr13-49039443-A-AAGAG.
Other names: c.2429_2432dupAGAG (NM_000321.3); short protein forms S811fs.
Identifiers: ClinVar variation 995888 (VCV000995888.2), dbSNP rs2138345982, ClinGen allele CA2580614727.
Genomic context (GRCh38, chr13:48,465,307, plus strand): 5'-TACAAGTTTCCTAGTTCACCCTTACGGATTCCTGGAGGGAACATCTATATTTCACCCCTG[A>AAGAG]AGAGTCCATATAAAATTTCAGAAGGTCTGCCAACACCAACAAAAATGACTCCAAGATCAA-3'

ClinVar aggregate classification (germline): Pathogenic. Review status: criteria provided, multiple submitters, no conflicts (2 of 4 stars). 2 submissions from 2 submitters: Pathogenic (2). Last evaluated 2024-05-20.

Conditions:
Retinoblastoma (RB1). Also called: RETINOBLASTOMA, SOMATIC. Identifiers: Orphanet 790, MedGen C0035335, MeSH D012175, MONDO:0008380, OMIM 180200, HP:0009919. Disease mechanism: loss of function. Inheritance: Both sporadic and heritable forms are tested..

Submissions (2):

Genetic Diagnostic Laboratory, University of Pennsylvania School of Medicine
Classification: Pathogenic for Retinoblastoma. Last evaluated: 2024-05-20. Review status: criteria provided, single submitter. Criteria: ACMG Guidelines, 2015. Collection method: clinical testing. Allele origin: germline. Affected: yes. Observed: 1 variant allele.
Comment: Case and Pedigree Information: BILATERAL CASES:0, UNILATERAL CASES:1, TOTAL CASES:1, PEDIGREES:1. ACMG Codes Applied:PVS1, PM2

Department of Pediatrics, Memorial Sloan Kettering Cancer Center
Classification: Pathogenic for Retinoblastoma. Last evaluated: 2020-12-15. Review status: criteria provided, single submitter. Criteria: ACMG Guidelines, 2015. Collection method: research. Allele origin: germline. Affected: yes.

Literature cited by the submitters: PubMed 28873162 (cited by Department of Pediatrics, Memorial Sloan Kettering Cancer Center).